The following is an entry in ClinVar:

ClinVar aggregate classification (germline): Uncertain significance. Review status: criteria provided, multiple submitters, no conflicts (2 of 4 stars). 2 submissions from 2 submitters: Uncertain significance (2). Last evaluated 2025-08-11.

Conditions:
Ehlers-Danlos syndrome due to tenascin-X deficiency (EDSCLL1). Also called: TNXB-Related Classical-Like Ehlers-Danlos Syndrome; TNX DEFICIENCY; EHLERS-DANLOS SYNDROME, CLASSIC-LIKE; Ehlers-Danlos syndrome, classic-like, 1; EDS DUE TO TNX DEFICIENCY. Identifiers: Orphanet 230839, MedGen C1848029, MONDO:0011670, OMIM 606408.
Vesicoureteral reflux 8 (VUR8). Identifiers: Orphanet 289365, MedGen C4014831, MONDO:0014422, OMIM 615963.
Cardiovascular phenotype. Identifiers: MedGen CN230736.

Allele frequency attached by ClinVar (database versions not stated): TOPMed 0.00002; gnomAD 0.00004; ESP Exome Variant Server 0.00013; 1000 Genomes Project 0.00020; 1000 Genomes Project 30x 0.00031.
gnomAD v4.1: 65 of 1,613,724 alleles (0.004%); highest among the groups gnomAD compares: Non-Finnish European, 0.005%; no homozygotes.

Submissions (2):

Ambry Genetics
Classification: Uncertain significance for Cardiovascular phenotype. Last evaluated: 2025-08-11. Review status: criteria provided, single submitter. Criteria: Ambry Variant Classification Scheme 2023. Collection method: clinical testing. Allele origin: germline.
Comment: The p.G2989R variant (also known as c.8965G>A), located in coding exon 25 of the TNXB gene, results from a G to A substitution at nucleotide position 8965. The glycine at codon 2989 is replaced by arginine, an amino acid with dissimilar properties. This amino acid position is highly conserved in available vertebrate species. In addition, this alteration is predicted to be tolerated by in silico analysis. Based on the available evidence, the clinical significance of this variant remains unclear.

Fulgent Genetics
Classification: Uncertain significance for Ehlers-Danlos syndrome due to tenascin-X deficiency; Vesicoureteral reflux 8. Last evaluated: 2024-05-14. Review status: criteria provided, single submitter. Criteria: ACMG Guidelines, 2015. Collection method: clinical testing. Allele origin: germline.

NM_001365276.2(TNXB):c.8971G>A (p.Gly2991Arg)

Gene: TNXB (tenascin XB; minus strand). Cytogenetic location: 6p21.33.
Variant type: single nucleotide variant.
Coding change: c.8971G>A on transcript NM_001365276.2 (MANE Select); coding-DNA position 8971, G replaced by A.
Protein change: p.Gly2991Arg; replaces glycine 2991 with arginine.
Molecular consequence: missense variant.
Genome position (GRCh38, 1-based): chr6:32,052,814, C>T on the plus strand (G>A on the coding strand, the complement: TNXB is on the minus strand). VCF-style: chr6-32052814-C-T. GRCh37 (hg19) VCF-style: chr6-32020591-C-T.
Other names: c.8965G>A, p.Gly2989Arg (NM_019105.8); short protein forms G2991R, G2989R.
Identifiers: ClinVar variation 2397676 (VCV002397676.4), dbSNP rs371159200, ClinGen allele CA3733694.